The following is an entry in ClinVar:

ClinVar aggregate classification (germline): Benign/Likely benign. Review status: criteria provided, multiple submitters, no conflicts (2 of 4 stars). 3 submissions from 3 submitters: Benign (1); Likely benign (2). Last evaluated 2025-05-12.

Conditions:
Hereditary cancer-predisposing syndrome. Also called: Hereditary neoplastic syndrome; Neoplastic Syndromes, Hereditary; Tumor predisposition; Hereditary Cancer Syndrome. Identifiers: Orphanet 140162, MedGen C0027672, MeSH D009386, MONDO:0015356.
Familial adenomatous polyposis 1 (FAP1). Also called: FAMILIAL ADENOMATOUS POLYPOSIS 1, ATTENUATED; POLYPOSIS, ADENOMATOUS INTESTINAL. Identifiers: MedGen C2713442, MONDO:0021056, OMIM 175100. Disease mechanism: loss of function.

Allele frequency attached by ClinVar (database versions not stated): gnomAD exomes below 0.00001; ExAC 0.00001; ESP Exome Variant Server 0.00008.

Submissions (3):

Labcorp Genetics (formerly Invitae), Labcorp
Classification: Likely benign for Familial adenomatous polyposis 1. Last evaluated: 2025-05-12. Review status: criteria provided, single submitter. Criteria: Invitae Variant Classification Sherloc (09022015). Collection method: clinical testing. Allele origin: germline.

Myriad Genetics, Inc.
Classification: Benign for Familial adenomatous polyposis 1. Last evaluated: 2024-03-27. Review status: criteria provided, single submitter. Criteria: Myriad Autosomal Dominant, Autosomal Recessive and X-Linked Classification Criteria (2023). Collection method: clinical testing. Allele origin: unknown.
Comment: This variant is considered benign. This variant is a silent/synonymous amino acid change and it is not expected to impact splicing.

Ambry Genetics
Classification: Likely benign for Hereditary cancer-predisposing syndrome. Last evaluated: 2022-03-08. Review status: criteria provided, single submitter. Criteria: Ambry Variant Classification Scheme 2023. Collection method: clinical testing. Allele origin: germline.

NM_000038.6(APC):c.4623G>A (p.Gln1541=)

Gene: APC (APC regulator of Wnt signaling pathway; plus strand). Cytogenetic location: 5q22.2.
Variant type: single nucleotide variant.
Coding change: c.4623G>A on transcript NM_000038.6 (MANE Select); coding-DNA position 4623, G replaced by A.
Protein change: p.Gln1541=; no amino-acid change (glutamine 1541 retained).
Molecular consequence: synonymous variant.
Genome position (GRCh38, 1-based): chr5:112,840,217, G>A. VCF-style: chr5-112840217-G-A. GRCh37 (hg19) VCF-style: chr5-112175914-G-A.
Other names: c.4623G>A, p.Gln1541= (NM_001127510.3, NM_001354895.2); c.4569G>A, p.Gln1523= (NM_001127511.3); c.4677G>A, p.Gln1559= (NM_001354896.2); c.4653G>A, p.Gln1551= (NM_001354897.2); c.4548G>A, p.Gln1516= (NM_001354898.2); c.4539G>A, p.Gln1513= (NM_001354899.2); c.4500G>A, p.Gln1500= (NM_001354900.2); c.4446G>A, p.Gln1482= (NM_001354901.2); and 5 more.
Identifiers: ClinVar variation 1144572 (VCV001144572.12), dbSNP rs369281524, ClinGen allele CA039497.
Genomic context (GRCh38, chr5:112,840,217, plus strand): 5'-ATTAAGAATAATGCCTCCAGTTCAGGAAAATGACAATGGGAATGAAACAGAATCAGAGCA[G>A]CCTAAAGAATCAAATGAAAACCAAGAGAAAGAGGCAGAAAAAACTATTGATTCTGAAAAG-3'
Protein context (NP_000029.2, residues 1531-1551): NDNGNETESE[Gln1541=]PKESNENQEK